The following is an entry in ClinVar:

NC_000012.11:g.(120288080_120295326)_(120295503_120306863)del

Gene: CIT (citron rho-interacting serine/threonine kinase; minus strand). Cytogenetic location: 12q24.23.
Variant type: Deletion.
Identifiers: ClinVar variation 4537236 (VCV004537236.1).

ClinVar aggregate classification (germline): Pathogenic (1 of 4 stars; one submission).

Conditions:
Microcephaly 17, primary, autosomal recessive (MCPH17). Identifiers: Orphanet 2512, MedGen C4310723, MONDO:0014908, OMIM 617090.

Submission:

Women's Health and Genetics/Laboratory Corporation of America, LabCorp
Classification: Pathogenic for Microcephaly 17, primary, autosomal recessive. Last evaluated: 2025-11-24. Review status: criteria provided, single submitter. Criteria: LabCorp Variant Classification Summary - May 2015. Collection method: clinical testing. Allele origin: germline.
Comment: Variant summary: The variant involves the deletion of exon 4 in the CIT gene. A presumed nomenclature of c.(238+1_239-1)_(414+1_415-1)del has been designated for the purposes of this classification. This Copy Number Variant (CNV) is expected to alter the reading frame and predicted to result in a truncation or absence of the encoded protein due to nonsense mediated decay (NMD). Loss-of-function variants in this gene are known to be pathogenic. The variant was absent in 21694 control chromosomes (gnomAD SV database). To our knowledge, no occurrence of c.(238+1_239-1)_(414+1_415-1)del in individuals affected with CIT-related conditions and no experimental evidence demonstrating its impact on protein function have been reported. No submitters have cited clinical-significance assessments for this variant to ClinVar. Based on the evidence outlined above, the variant was classified as pathogenic.